The following is an entry in ClinVar:

NM_006767.4(LZTR1):c.1353G>A (p.Glu451=)

Gene: LZTR1 (leucine zipper like post translational regulator 1; plus strand). Cytogenetic location: 22q11.21.
Variant type: single nucleotide variant.
Coding change: c.1353G>A on transcript NM_006767.4 (MANE Select); coding-DNA position 1353, G replaced by A.
Protein change: p.Glu451=; no amino-acid change (glutamic acid 451 retained).
Molecular consequence: synonymous variant.
Genome position (GRCh38, 1-based): chr22:20,993,754, G>A. VCF-style: chr22-20993754-G-A. GRCh37 (hg19) VCF-style: chr22-21348043-G-A.
Identifiers: ClinVar variation 1770650 (VCV001770650.7), dbSNP rs1182046872, ClinGen allele CA513458901.
Genomic context (GRCh38, chr22:20,993,754, plus strand): 5'-GGACTACGGGCGGCTGTGGGAGAGCCGCCAGTTCTGCGACGTGGAGTTCGTGCTGGGTGA[G>A]GTGGGTGCCTGTCCTCGCACCCTGCTCTGCCTGCTGTGCCTGGGCAGTGGGAATTTCGCC-3'
Protein context (NP_006758.2, residues 441-461): QFCDVEFVLG[Glu451=]KEECVQGHVA

ClinVar aggregate classification (germline): Uncertain significance. Review status: criteria provided, multiple submitters, no conflicts (2 of 4 stars). 3 submissions from 3 submitters: Uncertain significance (3). Last evaluated 2025-03-15.

Conditions:
Cardiovascular phenotype. Identifiers: MedGen CN230736.
Hereditary cancer-predisposing syndrome. Also called: Hereditary Cancer Syndrome; Hereditary neoplastic syndrome; Neoplastic Syndromes, Hereditary; Tumor predisposition. Identifiers: Orphanet 140162, MedGen C0027672, MeSH D009386, MONDO:0015356.

gnomAD v4.1: 3 of 1,612,234 alleles (0.00019%); highest among the groups gnomAD compares: Non-Finnish European, 0.00025%; no homozygotes.

Submissions (3):

Labcorp Genetics (formerly Invitae), Labcorp
Classification: Uncertain significance. Last evaluated: 2025-03-15. Review status: criteria provided, single submitter. Criteria: Invitae Variant Classification Sherloc (09022015). Collection method: clinical testing. Allele origin: germline.
Comment: This sequence change affects codon 451 of the LZTR1 mRNA. It is a 'silent' change, meaning that it does not change the encoded amino acid sequence of the LZTR1 protein. This variant also falls at the last nucleotide of exon 12, which is part of the consensus splice site for this exon. This variant is present in population databases (no rsID available, gnomAD 0.002%). This variant has not been reported in the literature in individuals affected with LZTR1-related conditions. ClinVar contains an entry for this variant (Variation ID: 1770650). Variants that disrupt the consensus splice site are a relatively common cause of aberrant splicing (PMID: 17576681, 9536098). Algorithms developed to predict the effect of sequence changes on RNA splicing suggest that this variant may disrupt the consensus splice site. In summary, the available evidence is currently insufficient to determine the role of this variant in disease. Therefore, it has been classified as a Variant of Uncertain Significance.

Ambry Genetics
Classification: Uncertain significance for Cardiovascular phenotype; Hereditary cancer-predisposing syndrome. Last evaluated: 2024-11-25. Review status: criteria provided, single submitter. Criteria: Ambry Variant Classification Scheme 2023. Collection method: clinical testing. Allele origin: germline.
Comment: The c.1353G>A variant (also known as p.E451E) is located in coding exon 12 of the LZTR1 gene. This variant results from a G to A substitution at nucleotide position 1353. This nucleotide substitution does not change the amino acid at codon 451. However, this change occurs in the last base pair of coding exon 12, which makes it likely to have some effect on normal mRNA splicing. In silico splice site analysis predicts that this alteration will weaken the native splice donor site. RNA studies have demonstrated that this alteration results in a transcript predicted to lead to a protein with an in-frame deletion of 31 amino acids; however, the exact functional impact of the deleted amino acids is unknown at this time (Ambry internal data). This nucleotide position is highly conserved in available vertebrate species. Based on the available evidence, the clinical significance of this variant remains unclear.

GeneDx
Classification: Uncertain significance. Last evaluated: 2022-12-13. Review status: criteria provided, single submitter. Criteria: GeneDx Variant Classification Process June 2021. Collection method: clinical testing. Allele origin: germline. Affected: yes.
Comment: Not observed at significant frequency in large population cohorts (gnomAD); In silico analysis supports a deleterious effect on splicing; Has not been previously published as pathogenic or benign to our knowledge

Literature cited by the submitters: PubMed 17576681 (cited by Labcorp Genetics (formerly Invitae), Labcorp); PubMed 9536098 (cited by Labcorp Genetics (formerly Invitae), Labcorp).